The following is an entry in ClinVar:

ClinVar aggregate classification (germline): Pathogenic. Review status: criteria provided, single submitter (1 of 4 stars). 2 submissions from 2 submitters: Pathogenic (1). 1 of the submissions does not count toward it. Last evaluated 2023-08-19.

Conditions:
Primary hyperoxaluria, type I (HP1). Also called: GLYCOLIC ACIDURIA; HEPATIC AGT DEFICIENCY; OXALOSIS I; Primary hyperoxaluria type 1. Identifiers: Orphanet 416, Orphanet 93598, MedGen C0268164, MONDO:0009823, OMIM 259900. Disease mechanism: loss of function.

Submissions (2):

Labcorp Genetics (formerly Invitae), Labcorp
Classification: Pathogenic. Last evaluated: 2023-08-19. Review status: criteria provided, single submitter. Criteria: Invitae Variant Classification Sherloc (09022015). Collection method: clinical testing. Allele origin: germline.
Comment: For these reasons, this variant has been classified as Pathogenic. ClinVar contains an entry for this variant (Variation ID: 204104). This premature translational stop signal has been observed in individual(s) with primary hyperoxaluria, type 1 (PMID: 19479957). The frequency data for this variant in the population databases is considered unreliable, as metrics indicate poor data quality at this position in the gnomAD database. This sequence change creates a premature translational stop signal (p.Ser158*) in the AGXT gene. It is expected to result in an absent or disrupted protein product. Loss-of-function variants in AGXT are known to be pathogenic (PMID: 19479957).

Clinical Biochemistry Laboratory, Health Services Laboratory
Classification: Pathogenic for Primary hyperoxaluria, type I. Last evaluated: 2014-11-27. Review status: no assertion criteria provided. Collection method: research. Allele origin: germline. Affected: yes. Not counted in ClinVar's aggregate classification.

Literature cited by the submitters: PubMed 19479957 (cited by Labcorp Genetics (formerly Invitae), Labcorp and Clinical Biochemistry Laboratory, Health Services Laboratory).

NM_000030.3(AGXT):c.473C>A (p.Ser158Ter)

Gene: AGXT (alanine--glyoxylate aminotransferase; plus strand). Cytogenetic location: 2q37.3.
Variant type: single nucleotide variant.
Coding change: c.473C>A on transcript NM_000030.3 (MANE Select); coding-DNA position 473, C replaced by A.
Protein change: p.Ser158Ter; replaces serine 158 with a stop codon.
Molecular consequence: nonsense.
Genome position (GRCh38, 1-based): chr2:240,871,398, C>A. VCF-style: chr2-240871398-C-A. GRCh37 (hg19) VCF-style: chr2-241810815-C-A.
Other names: short protein forms S158*.
Identifiers: ClinVar variation 204104 (VCV000204104.5), dbSNP rs180177225, ClinGen allele CA275695.